The following is an entry in ClinVar:

NM_001875.5(CPS1):c.2116A>G (p.Thr706Ala)

Gene: CPS1 (carbamoyl-phosphate synthase 1; plus strand). Cytogenetic location: 2q34.
Variant type: single nucleotide variant.
Coding change: c.2116A>G on transcript NM_001875.5 (MANE Select); coding-DNA position 2116, A replaced by G.
Protein change: p.Thr706Ala; replaces threonine 706 with alanine.
Molecular consequence: missense variant. On other transcripts: non-coding transcript variant (2).
Genome position (GRCh38, 1-based): chr2:210,606,865, A>G. VCF-style: chr2-210606865-A-G. GRCh37 (hg19) VCF-style: chr2-211471589-A-G.
Other names: c.2116A>G, p.Thr706Ala (NM_001122633.3, NM_001369257.1); c.2149A>G, p.Thr717Ala (NM_001369256.1); short protein forms T706A, T717A.
Identifiers: ClinVar variation 898808 (VCV000898808.14), dbSNP rs755035266, ClinGen allele CA64760960.

ClinVar aggregate classification (germline): Uncertain significance. Review status: criteria provided, multiple submitters, no conflicts (2 of 4 stars). 4 submissions from 4 submitters: Uncertain significance (3). 1 of the submissions does not count toward it. Last evaluated 2025-11-08.

Conditions:
Congenital hyperammonemia, type I. Also called: CPS I DEFICIENCY; Carbamoyl-phosphate synthase I deficiency; Carbamoyl phosphate synthetase 1 deficiency; Hyperammonemia due to carbamoyl phosphate synthetase 1 deficiency; CPS 1 deficiency; Carbamyl phosphate synthetase (CPS) deficiency. Identifiers: Orphanet 147, MedGen C4082171, MONDO:0009376, OMIM 237300.
Inborn genetic diseases. Identifiers: MedGen C0950123, MeSH D030342.

Allele frequency attached by ClinVar (database versions not stated): gnomAD 0.00001 and 0.00002; gnomAD exomes 0.00001 and 0.00002; TOPMed 0.00003.
gnomAD v4.1: 29 of 1,612,500 alleles (0.0018%); highest among the groups gnomAD compares: Non-Finnish European, 0.0022%; no homozygotes.

Submissions (4):

Ambry Genetics
Classification: Uncertain significance for Inborn genetic diseases. Last evaluated: 2025-11-08. Review status: criteria provided, single submitter. Criteria: Ambry Variant Classification Scheme 2023. Collection method: clinical testing. Allele origin: germline.

Labcorp Genetics (formerly Invitae), Labcorp
Classification: Uncertain significance for Congenital hyperammonemia, type I. Last evaluated: 2022-02-03. Review status: criteria provided, single submitter. Criteria: Invitae Variant Classification Sherloc (09022015). Collection method: clinical testing. Allele origin: germline.
Comment: This sequence change replaces threonine, which is neutral and polar, with alanine, which is neutral and non-polar, at codon 706 of the CPS1 protein (p.Thr706Ala). This variant is present in population databases (rs755035266, gnomAD 0.002%). This variant has not been reported in the literature in individuals affected with CPS1-related conditions. ClinVar contains an entry for this variant (Variation ID: 898808). Algorithms developed to predict the effect of missense changes on protein structure and function (SIFT, PolyPhen-2, Align-GVGD) all suggest that this variant is likely to be tolerated. In summary, the available evidence is currently insufficient to determine the role of this variant in disease. Therefore, it has been classified as a Variant of Uncertain Significance.

Illumina Laboratory Services, Illumina
Classification: Uncertain significance for Congenital hyperammonemia, type I. Last evaluated: 2018-01-13. Review status: criteria provided, single submitter. Criteria: ICSL Variant Classification Criteria 13 December 2019. Collection method: clinical testing. Allele origin: germline.

Natera, Inc.
Classification: Uncertain significance for Carbamoyl-phosphate synthase I deficiency. Last evaluated: 2020-06-26. Review status: no assertion criteria provided. Collection method: clinical testing. Allele origin: germline. Not counted in ClinVar's aggregate classification.